The following is an entry in ClinVar:

ClinVar aggregate classification (germline): Uncertain significance. Review status: criteria provided, multiple submitters, no conflicts (2 of 4 stars). 2 submissions from 2 submitters: Uncertain significance (2). Last evaluated 2026-01-11.

Conditions:
Hereditary cancer-predisposing syndrome. Also called: Neoplastic Syndromes, Hereditary; Tumor predisposition; Hereditary neoplastic syndrome; Hereditary Cancer Syndrome. Identifiers: Orphanet 140162, MedGen C0027672, MeSH D009386, MONDO:0015356.
Retinoblastoma (RB1). Also called: RETINOBLASTOMA, SOMATIC. Identifiers: Orphanet 790, MedGen C0035335, MeSH D012175, MONDO:0008380, OMIM 180200, HP:0009919. Disease mechanism: loss of function. Inheritance: Both sporadic and heritable forms are tested..

Allele frequency attached by ClinVar (database versions not stated): gnomAD exomes below 0.00001.
gnomAD v4.1: 2 of 1,613,830 alleles (0.00012%); highest among the groups gnomAD compares: South Asian, 0.0011%; no homozygotes.

Submissions (2):

Labcorp Genetics (formerly Invitae), Labcorp
Classification: Uncertain significance for Retinoblastoma. Last evaluated: 2026-01-11. Review status: criteria provided, single submitter. Criteria: Invitae Variant Classification Sherloc (09022015). Collection method: clinical testing. Allele origin: germline.
Comment: This sequence change replaces histidine, which is basic and polar, with arginine, which is basic and polar, at codon 678 of the RB1 protein (p.His678Arg). This variant is not present in population databases (gnomAD no frequency). This variant has not been reported in the literature in individuals affected with RB1-related conditions. ClinVar contains an entry for this variant (Variation ID: 567172). Invitae Evidence Modeling of protein sequence and biophysical properties (such as structural, functional, and spatial information, amino acid conservation, physicochemical variation, residue mobility, and thermodynamic stability) indicates that this missense variant is not expected to disrupt RB1 protein function with a negative predictive value of 80%. In summary, the available evidence is currently insufficient to determine the role of this variant in disease. Therefore, it has been classified as a Variant of Uncertain Significance.

Ambry Genetics
Classification: Uncertain significance for Hereditary cancer-predisposing syndrome. Last evaluated: 2025-02-05. Review status: criteria provided, single submitter. Criteria: Ambry Variant Classification Scheme 2023. Collection method: clinical testing. Allele origin: germline.
Comment: The p.H678R variant (also known as c.2033A>G), located in coding exon 20 of the RB1 gene, results from an A to G substitution at nucleotide position 2033. The histidine at codon 678 is replaced by arginine, an amino acid with highly similar properties. This amino acid position is not well conserved in available vertebrate species. In addition, the in silico prediction for this alteration is inconclusive. Based on the available evidence, the clinical significance of this variant remains unclear.

NM_000321.3(RB1):c.2033A>G (p.His678Arg)

Gene: RB1 (RB transcriptional corepressor 1; plus strand). Cytogenetic location: 13q14.2.
Variant type: single nucleotide variant.
Coding change: c.2033A>G on transcript NM_000321.3 (MANE Select); coding-DNA position 2033, A replaced by G.
Protein change: p.His678Arg; replaces histidine 678 with arginine.
Molecular consequence: missense variant.
Genome position (GRCh38, 1-based): chr13:48,459,760, A>G. VCF-style: chr13-48459760-A-G. GRCh37 (hg19) VCF-style: chr13-49033896-A-G.
Other names: short protein forms H678R.
Identifiers: ClinVar variation 567172 (VCV000567172.14), dbSNP rs201046651, ClinGen allele CA388166808.